The following is an entry in ClinVar:

ClinVar aggregate classification (germline): Uncertain significance (1 of 4 stars; one submission).

Conditions:
Multiple gastrointestinal atresias. Also called: Multiple intestinal atresia; FAMILIAL INTESTINAL POLYATRESIA SYNDROME. Identifiers: Orphanet 2300, MedGen C0220744, MONDO:0009465.

Submission:

Labcorp Genetics (formerly Invitae), Labcorp
Classification: Uncertain significance for Multiple gastrointestinal atresias. Last evaluated: 2020-01-24. Review status: criteria provided, single submitter. Criteria: Invitae Variant Classification Sherloc (09022015). Collection method: clinical testing. Allele origin: germline.
Comment: This sequence change replaces phenylalanine with leucine at codon 721 of the TTC7A protein (p.Phe721Leu). The phenylalanine residue is moderately conserved and there is a small physicochemical difference between phenylalanine and leucine. This variant is not present in population databases (ExAC no frequency). This variant has not been reported in the literature in individuals with TTC7A-related conditions. Algorithms developed to predict the effect of missense changes on protein structure and function (SIFT, PolyPhen-2, Align-GVGD) all suggest that this variant is likely to be tolerated, but these predictions have not been confirmed by published functional studies and their clinical significance is uncertain. In summary, the available evidence is currently insufficient to determine the role of this variant in disease. Therefore, it has been classified as a Variant of Uncertain Significance.

NM_020458.4(TTC7A):c.2163C>G (p.Phe721Leu)

Gene: TTC7A (tetratricopeptide repeat domain 7A; plus strand). Cytogenetic location: 2p21.
Variant type: single nucleotide variant.
Coding change: c.2163C>G on transcript NM_020458.4 (MANE Select); coding-DNA position 2163, C replaced by G.
Protein change: p.Phe721Leu; replaces phenylalanine 721 with leucine.
Molecular consequence: missense variant.
Genome position (GRCh38, 1-based): chr2:47,060,779, C>G. VCF-style: chr2-47060779-C-G. GRCh37 (hg19) VCF-style: chr2-47287918-C-G.
Other names: c.2235C>G, p.Phe745Leu (NM_001288951.2); c.2061C>G, p.Phe687Leu (NM_001288953.2); c.1101C>G, p.Phe367Leu (NM_001288955.2); short protein forms F687L, F745L, F367L, F721L.
Identifiers: ClinVar variation 854695 (VCV000854695.9), dbSNP rs1011519119, ClinGen allele CA346714574.